The following is an entry in ClinVar:

NM_002230.4(JUP):c.1579C>T (p.Leu527Phe)

Gene: JUP (junction plakoglobin; minus strand). Cytogenetic location: 17q21.2.
Variant type: single nucleotide variant.
Coding change: c.1579C>T on transcript NM_002230.4 (MANE Select); coding-DNA position 1579, C replaced by T.
Protein change: p.Leu527Phe; replaces leucine 527 with phenylalanine.
Molecular consequence: missense variant.
Genome position (GRCh38, 1-based): chr17:41,758,789, G>A on the plus strand (C>T on the coding strand, the complement: JUP is on the minus strand). VCF-style: chr17-41758789-G-A. GRCh37 (hg19) VCF-style: chr17-39915041-G-A.
Other names: c.1579C>T, p.Leu527Phe (NM_001352773.2, NM_001352774.2, NM_001352775.2 and 3 more transcripts); short protein forms L527F.
Identifiers: ClinVar variation 4783822 (VCV004783822.1).

ClinVar aggregate classification (germline): Uncertain significance (1 of 4 stars; one submission).

Conditions:
Naxos disease (NXD). Also called: KERATOSIS PALMOPLANTARIS WITH ARRHYTHMOGENIC CARDIOMYOPATHY; MAL DE NAXOS; PALMOPLANTAR KERATODERMA WITH ARRHYTHMOGENIC RIGHT VENTRICULAR CARDIOMYOPATHY AND WOOLLY HAIR; CARDIOMYOPATHY, ARRHYTHMOGENIC RIGHT VENTRICULAR, WITH SKIN, HAIR, AND NAIL ABNORMALITIES; WOOLLY HAIR, PALMOPLANTAR KERATODERMA, AND CARDIAC ABNORMALITIES. Identifiers: Orphanet 34217, MedGen C1832600, MONDO:0011017, OMIM 601214.
Arrhythmogenic right ventricular dysplasia 12. Also called: ARRHYTHMOGENIC RIGHT VENTRICULAR DYSPLASIA, FAMILIAL, 12. Identifiers: MedGen C1969081, MONDO:0012684, OMIM 611528.

Submission:

Labcorp Genetics (formerly Invitae), Labcorp
Classification: Uncertain significance for Arrhythmogenic right ventricular dysplasia 12; Naxos disease. Last evaluated: 2025-02-13. Review status: criteria provided, single submitter. Criteria: Invitae Variant Classification Sherloc (09022015). Collection method: clinical testing. Allele origin: germline.
Comment: This sequence change replaces leucine, which is neutral and non-polar, with phenylalanine, which is neutral and non-polar, at codon 527 of the JUP protein (p.Leu527Phe). This variant is not present in population databases (gnomAD no frequency). This variant has not been reported in the literature in individuals affected with JUP-related conditions. An algorithm developed to predict the effect of missense changes on protein structure and function (PolyPhen-2) suggests that this variant is likely to be disruptive. In summary, the available evidence is currently insufficient to determine the role of this variant in disease. Therefore, it has been classified as a Variant of Uncertain Significance.